The following is an entry in ClinVar:

NM_014159.7(SETD2):c.2700C>G (p.Cys900Trp)

Gene: SETD2 (SET domain containing 2, histone lysine methyltransferase; minus strand). Cytogenetic location: 3p21.31.
Variant type: single nucleotide variant.
Coding change: c.2700C>G on transcript NM_014159.7 (MANE Select); coding-DNA position 2700, C replaced by G.
Protein change: p.Cys900Trp; replaces cysteine 900 with tryptophan.
Molecular consequence: missense variant. On other transcripts: non-coding transcript variant (1).
Genome position (GRCh38, 1-based): chr3:47,121,936, G>C on the plus strand (C>G on the coding strand, the complement: SETD2 is on the minus strand). VCF-style: chr3-47121936-G-C. GRCh37 (hg19) VCF-style: chr3-47163426-G-C.
Other names: c.2568C>G, p.Cys856Trp (NM_001349370.3); short protein forms C856W, C900W.
Identifiers: ClinVar variation 1803508 (VCV001803508.1), dbSNP rs370480746, ClinGen allele CA352525554.

ClinVar aggregate classification (germline): Uncertain significance (1 of 4 stars; one submission).

Submission:

GeneDx
Classification: Uncertain significance. Last evaluated: 2022-06-10. Review status: criteria provided, single submitter. Criteria: GeneDx Variant Classification Process June 2021. Collection method: clinical testing. Allele origin: germline. Affected: yes.
Comment: Not observed at significant frequency in large population cohorts (gnomAD); In silico analysis supports that this missense variant has a deleterious effect on protein structure/function; Has not been previously published as pathogenic or benign to our knowledge